The following is an entry in ClinVar:

NM_203486.3(DLL3):c.1129TGCCGC[3] (p.Arg380_Ala381insCysArg)

Gene: DLL3 (delta like canonical Notch ligand 3; plus strand). Cytogenetic location: 19q13.2.
Variant type: Microsatellite.
Coding change: c.1129TGCCGC[3] on transcript NM_203486.3 (MANE Select); three copies in a row of the 6-base unit TGCCGC starting at c.1129; the reference has two copies in a row; one copy, 6 bases duplicated.
Protein change: p.Arg380_Ala381insCysArg.
Molecular consequence: inframe insertion.
Genome position (GRCh38, 1-based): chr19:39,507,080-39,507,085, TGCCGC duplicated; duplicating any 6 consecutive bases within chr19:39,507,071-39,507,085 gives the same sequence; the position shown is the placement nearest the transcript's 3' end. VCF-style (leftmost placement, unchanged base first): chr19-39507070-G-GCGCTGC. GRCh37 (hg19) VCF-style: chr19-39997710-G-GCGCTGC.
Other names: c.1129TGCCGC[3], p.Arg380_Ala381insCysArg (NM_016941.4).
Identifiers: ClinVar variation 3781138 (VCV003781138.1).

ClinVar aggregate classification (germline): Uncertain significance (1 of 4 stars; one submission).

Submission:

GeneDx
Classification: Uncertain significance. Last evaluated: 2024-10-17. Review status: criteria provided, single submitter. Criteria: GeneDx Variant Classification Process June 2021. Collection method: clinical testing. Allele origin: germline. Affected: yes.
Comment: Not observed at significant frequency in large population cohorts (gnomAD); In-frame duplication of two amino acids in a non-repeat region; Has not been previously published as pathogenic or benign to our knowledge